The following is an entry in ClinVar:

NM_139119.3(YY1AP1):c.-151-192G>T

Genes: DAP3 (death associated protein 3; plus strand), YY1AP1 (YY1 associated protein 1; minus strand). Cytogenetic location: 1q22.
Variant type: single nucleotide variant.
Coding change: c.-151-192G>T on transcript NM_139119.3 (MANE Select); 192 bases into the intron before 151 bases upstream of the start codon, G replaced by T.
Molecular consequence: intron variant. On other transcripts: synonymous variant (2).
Genome position (GRCh38, 1-based): chr1:155,688,393, C>A on the plus strand (G>T on the coding strand, the complement: YY1AP1 is on the minus strand). VCF-style: chr1-155688393-C-A. GRCh37 (hg19) VCF-style: chr1-155658184-C-A.
Other names: c.72G>T, p.Val24= (NM_001198903.1, NM_001198904.1); c.-21+537G>T (NM_001198901.2); c.-375+537G>T (NM_139121.3); c.48-192G>T (NM_139118.3, NM_001198906.2); c.-21+266G>T (NM_001198902.2); c.-143-192G>T (NM_001198900.2); c.-151-192G>T (NM_001198905.2); c.-265-192G>T (NM_018253.4).
Identifiers: ClinVar variation 4986529 (VCV004986529.1).

ClinVar aggregate classification (germline): Benign (1 of 4 stars; one submission).

Conditions:
YY1AP1-related disorder. Also called: YY1AP1-related condition.

gnomAD v4.1: 1,141 of 1,542,526 alleles (0.074%); highest among the groups gnomAD compares: East Asian, 2.7%; 20 homozygotes.

Submission:

PreventionGenetics, part of Exact Sciences
Classification: Benign for YY1AP1-related condition. Last evaluated: 2025-12-17. Review status: criteria provided, single submitter. Criteria: ACMG Guidelines, 2015. Collection method: clinical testing. Allele origin: germline.
Comment: This variant is classified as benign based on ACMG/AMP sequence variant interpretation guidelines (Richards et al. 2015 PMID: 25741868, with internal and published modifications).